The following is an entry in ClinVar:

ClinVar aggregate classification (germline): Uncertain significance. Review status: criteria provided, single submitter (1 of 4 stars). 2 submissions from 2 submitters: Uncertain significance (1). 1 of the submissions does not count toward it. Last evaluated 2024-03-11.

Conditions:
Biotinidase deficiency. Also called: BTD deficiency; Late-onset biotin-responsive multiple carboxylase deficiency; Biotin deficiency. Identifiers: Orphanet 79241, MedGen C0220754, MONDO:0009665, OMIM 253260.

Allele frequency attached by ClinVar (database versions not stated): gnomAD exomes below 0.00001.

Submissions (2):

Women's Health and Genetics/Laboratory Corporation of America, LabCorp
Classification: Uncertain significance. Last evaluated: 2024-03-11. Review status: criteria provided, single submitter. Criteria: LabCorp Variant Classification Summary - May 2015. Collection method: clinical testing. Allele origin: germline.
Comment: Variant summary: BTD c.862A>C (p.Met288Leu) results in a conservative amino acid change located in the Carbon-nitrogen hydrolase domain (IPR003010) of the encoded protein sequence. Three of five in-silico tools predict a damaging effect of the variant on protein function. The variant allele was found at a frequency of 8e-06 in 251386 control chromosomes (gnomAD). The available data on variant occurrences in the general population are insufficient to allow any conclusion about variant significance.c.862A>C has been reported in the literature in a compound heterozygous individual through newborn screening for inborn errors of metabolism (Al-Jasmi_2016). This report does not provide unequivocal conclusions about association of the variant with Biotinidase Deficiency. To our knowledge, no experimental evidence demonstrating an impact on protein function has been reported. The following publication has been ascertained in the context of this evaluation (PMID: 26589311). ClinVar contains an entry for this variant (Variation ID: 550822). Based on the evidence outlined above, the variant was classified as uncertain significance.

Counsyl
Classification: Uncertain significance for Biotinidase deficiency. Last evaluated: 2017-02-22. Review status: no assertion criteria provided. Collection method: clinical testing. Allele origin: unknown. Not counted in ClinVar's aggregate classification.

Literature cited by the submitters: PubMed 26589311 (cited by Women's Health and Genetics/Laboratory Corporation of America, LabCorp and Counsyl).

NM_001370658.1(BTD):c.862A>C (p.Met288Leu)

Gene: BTD (biotinidase; plus strand). Cytogenetic location: 3p25.1.
Variant type: single nucleotide variant.
Coding change: c.862A>C on transcript NM_001370658.1 (MANE Select); coding-DNA position 862, A replaced by C.
Protein change: p.Met288Leu; replaces methionine 288 with leucine.
Molecular consequence: missense variant. On other transcripts: intron variant (1).
Genome position (GRCh38, 1-based): chr3:15,644,778, A>C. VCF-style: chr3-15644778-A-C. GRCh37 (hg19) VCF-style: chr3-15686285-A-C.
Other names: c.862A>C, p.Met288Leu (NM_001407375.1, NM_001407369.1, NM_001407367.1 and 18 more transcripts); c.399+2721A>C (NM_001370753.1); c.922A>C, p.Met308Leu (NM_000060.4); short protein forms M288L.
Identifiers: ClinVar variation 550822 (VCV000550822.8), dbSNP rs757604137, ClinGen allele CA2277398.